The following is an entry in ClinVar:

NM_001009944.3(PKD1):c.8370_8376del (p.Arg2791fs)

Gene: PKD1 (polycystin 1, transient receptor potential channel interacting; minus strand). Cytogenetic location: 16p13.3.
Variant type: Deletion.
Coding change: c.8370_8376del on transcript NM_001009944.3 (MANE Select); coding-DNA positions 8370 to 8376, 7 bases deleted (GCGGAGC; older notation c.8370_8376delGCGGAGC).
Protein change: p.Arg2791fs; shifts the reading frame from arginine 2791.
Molecular consequence: frameshift variant.
Genome position (GRCh38, 1-based): chr16:2,103,681-2,103,687, GCTCCGC deleted on the plus strand (GCGGAGC on the coding strand, the reverse complement: PKD1 is on the minus strand); deleting any 7 consecutive bases within chr16:2,103,681-2,103,688 gives the same sequence; the c. name uses the placement nearest the transcript's 3' end. VCF-style (leftmost placement, unchanged base first): chr16-2103680-GGCTCCGC-G. GRCh37 (hg19) VCF-style: chr16-2153681-GGCTCCGC-G.
Other names: c.8370_8376del, p.Arg2791fs (NM_000296.4); c.8370_8376del7 (NM_001009944.2); short protein forms R2791fs.
Identifiers: ClinVar variation 3345407 (VCV003345407.1).

ClinVar aggregate classification (germline): Pathogenic (0 of 4 stars; one submission).

Conditions:
PKD1-related disorder. Also called: PKD1-related condition.

Submission:

PreventionGenetics, part of Exact Sciences
Classification: Pathogenic for PKD1-related condition. Last evaluated: 2024-07-29. Review status: no assertion criteria provided. Collection method: clinical testing. Allele origin: germline.
Comment: The PKD1 c.8370_8376del7 variant is predicted to result in a frameshift and premature protein termination (p.Arg2791Cysfs*82). To our knowledge, this variant has not been reported in the literature or in a large population database, indicating this variant is rare. Frameshift variants in PKD1 are expected to be pathogenic. This variant is interpreted as pathogenic.